The following is an entry in ClinVar:

NM_000135.4(FANCA):c.3103A>T (p.Ile1035Leu)

Gene: FANCA (FA complementation group A; minus strand). Cytogenetic location: 16q24.3.
Variant type: single nucleotide variant.
Coding change: c.3103A>T on transcript NM_000135.4 (MANE Select); coding-DNA position 3103, A replaced by T.
Protein change: p.Ile1035Leu; replaces isoleucine 1035 with leucine.
Molecular consequence: missense variant.
Genome position (GRCh38, 1-based): chr16:89,749,866, T>A on the plus strand (A>T on the coding strand, the complement: FANCA is on the minus strand). VCF-style: chr16-89749866-T-A. GRCh37 (hg19) VCF-style: chr16-89816274-T-A.
Other names: c.3103A>T, p.Ile1035Leu (NM_001286167.3); short protein forms I1035L.
Identifiers: ClinVar variation 3848298 (VCV003848298.1).

ClinVar aggregate classification (germline): Uncertain significance (1 of 4 stars; one submission).

Conditions:
Inborn genetic diseases. Identifiers: MedGen C0950123, MeSH D030342.

Submission:

Ambry Genetics
Classification: Uncertain significance for Inborn genetic diseases. Last evaluated: 2025-03-08. Review status: criteria provided, single submitter. Criteria: Ambry Variant Classification Scheme 2023. Collection method: clinical testing. Allele origin: germline.
Comment: The p.I1035L variant (also known as c.3103A>T), located in coding exon 32 of the FANCA gene, results from an A to T substitution at nucleotide position 3103. The isoleucine at codon 1035 is replaced by leucine, an amino acid with highly similar properties. This amino acid position is conserved. In addition, this alteration is predicted to be tolerated by in silico analysis. Based on the available evidence, the clinical significance of this variant remains unclear.